The following is an entry in ClinVar:

ClinVar aggregate classification (germline): Conflicting classifications of pathogenicity. Review status: criteria provided, conflicting classifications (1 of 4 stars). 2 submissions from 2 submitters: Uncertain significance (1); Likely benign (1). Last evaluated 2025-06-12.

Conditions:
Hereditary nonpolyposis colorectal neoplasms. Identifiers: MedGen C0009405, MeSH D003123.
Hereditary cancer-predisposing syndrome. Also called: Neoplastic Syndromes, Hereditary; Tumor predisposition; Hereditary Cancer Syndrome; Hereditary neoplastic syndrome. Identifiers: Orphanet 140162, MedGen C0027672, MeSH D009386, MONDO:0015356.

Submissions (2):

Ambry Genetics
Classification: Likely benign for Hereditary cancer-predisposing syndrome. Last evaluated: 2025-06-12. Review status: criteria provided, single submitter. Criteria: Ambry Variant Classification Scheme 2023. Collection method: clinical testing. Allele origin: germline.

Labcorp Genetics (formerly Invitae), Labcorp
Classification: Uncertain significance for Hereditary nonpolyposis colorectal neoplasms. Last evaluated: 2022-10-13. Review status: criteria provided, single submitter. Criteria: Invitae Variant Classification Sherloc (09022015). Collection method: clinical testing. Allele origin: germline.
Comment: This sequence change replaces methionine, which is neutral and non-polar, with arginine, which is basic and polar, at codon 396 of the PMS2 protein (p.Met396Arg). This variant is not present in population databases (gnomAD no frequency). In summary, the available evidence is currently insufficient to determine the role of this variant in disease. Therefore, it has been classified as a Variant of Uncertain Significance. Advanced modeling of protein sequence and biophysical properties (such as structural, functional, and spatial information, amino acid conservation, physicochemical variation, residue mobility, and thermodynamic stability) performed at Invitae indicates that this missense variant is not expected to disrupt PMS2 protein function. ClinVar contains an entry for this variant (Variation ID: 1002503). This variant has not been reported in the literature in individuals affected with PMS2-related conditions.

NM_000535.7(PMS2):c.1187T>G (p.Met396Arg)

Gene: PMS2 (PMS1 homolog 2, mismatch repair system component; minus strand). Cytogenetic location: 7p22.1.
Variant type: single nucleotide variant.
Coding change: c.1187T>G on transcript NM_000535.7 (MANE Select); coding-DNA position 1187, T replaced by G.
Protein change: p.Met396Arg; replaces methionine 396 with arginine.
Molecular consequence: missense variant. On other transcripts: non-coding transcript variant (1).
Genome position (GRCh38, 1-based): chr7:5,987,578, A>C on the plus strand (T>G on the coding strand, the complement: PMS2 is on the minus strand). VCF-style: chr7-5987578-A-C. GRCh37 (hg19) VCF-style: chr7-6027209-A-C.
Other names: c.782T>G, p.Met261Arg (NM_001322003.2, NM_001322004.2, NM_001322005.2 and 1 more transcripts); c.1031T>G, p.Met344Arg (NM_001322006.2); c.869T>G, p.Met290Arg (NM_001322007.2, NM_001322008.2); c.626T>G, p.Met209Arg (NM_001322010.2); c.254T>G, p.Met85Arg (NM_001322011.2, NM_001322012.2); c.614T>G, p.Met205Arg (NM_001322013.2); c.1187T>G, p.Met396Arg (NM_001322014.2); c.878T>G, p.Met293Arg (NM_001322015.2); short protein forms M205R, M209R, M261R, M290R, M293R, M344R, M396R, M85R.
Identifiers: ClinVar variation 1002503 (VCV001002503.10), dbSNP rs786202704, ClinGen allele CA366742610.
Genomic context (GRCh38, chr7:5,987,578, plus strand): 5'-GACACGTCTTTTTTTTCTTCTCCAGTCCTTAATGAAGGGGATTGATCCTGCTTTTCTACC[A>C]TGGGCTTTTCCAAATCCGCTGCATGCATTTTTATTAAGTTACCTAAGCAAACGTGGACGG-3'
Protein context (NP_000526.2, residues 386-406): KMHAADLEKP[Met396Arg]VEKQDQSPSL